The following is an entry in ClinVar:

ClinVar aggregate classification (germline): Uncertain significance (1 of 4 stars; one submission).

Conditions:
Mitochondrial complex I deficiency, nuclear type 13. Also called: Mitochondrial complex 1 deficiency, nuclear type 13. Identifiers: MedGen C4748770, MONDO:0032618, OMIM 618235.

Submission:

Egypt Genome Project
Classification: Uncertain significance for Mitochondrial complex I deficiency, nuclear type 13. Last evaluated: 2026-02-01. Review status: criteria provided, single submitter. Criteria: ACMG Guidelines, 2015. Collection method: research. Allele origin: germline. Affected: yes.
Comment: The NM_002488.4 c.101+5G>A is classified as Variant of uncertain significance based on the AMCG/AMP criteria (PM3-supporting, PP3, PM2)

NM_002488.5(NDUFA2):c.101+5G>A

Genes: NDUFA2 (NADH:ubiquinone oxidoreductase subunit A2; minus strand), TMCO6 (transmembrane and coiled-coil domains 6; plus strand). Cytogenetic location: 5q31.3.
Variant type: single nucleotide variant.
Coding change: c.101+5G>A on transcript NM_002488.5 (MANE Select); 5 bases into the intron after coding-DNA position 101, G replaced by A.
Molecular consequence: intron variant. On other transcripts: non-coding transcript variant (1).
Genome position (GRCh38, 1-based): chr5:140,647,478, C>T on the plus strand (G>A on the coding strand, the complement: NDUFA2 is on the minus strand). VCF-style: chr5-140647478-C-T. GRCh37 (hg19) VCF-style: chr5-140027063-C-T.
Other names: c.101+5G>A (NM_001185012.2).
Identifiers: ClinVar variation 4849864 (VCV004849864.1).
Genomic context (GRCh38, chr5:140,647,478, plus strand): 5'-CAGGGAGGTCGAGGTCGTGACCCTGGCGTCCCGAAGCCCGCCCGCCTCACCACGCCGCGC[C>T]TCACCTGACGCCCTGGCTGCCGGGCGAGCGCTGACATAAGTGGATGCGAATCTCACGCAG-3'